The following is an entry in ClinVar:

ClinVar aggregate classification (germline): Uncertain significance. Review status: criteria provided, multiple submitters, no conflicts (2 of 4 stars). 2 submissions from 2 submitters: Uncertain significance (2). Last evaluated 2026-01-11.

Conditions:
Cardiovascular phenotype. Identifiers: MedGen CN230736.
Hypertrophic cardiomyopathy 14. Identifiers: MedGen C2750467, MONDO:0013197, OMIM 613251.

Allele frequency attached by ClinVar (database versions not stated): gnomAD exomes below 0.00001; TOPMed below 0.00001.

Submissions (2):

Labcorp Genetics (formerly Invitae), Labcorp
Classification: Uncertain significance for Hypertrophic cardiomyopathy 14. Last evaluated: 2026-01-11. Review status: criteria provided, single submitter. Criteria: Invitae Variant Classification Sherloc (09022015). Collection method: clinical testing. Allele origin: germline.
Comment: This sequence change replaces aspartic acid, which is acidic and polar, with valine, which is neutral and non-polar, at codon 546 of the MYH6 protein (p.Asp546Val). This variant is present in population databases (no rsID available, gnomAD 0.0009%). This variant has not been reported in the literature in individuals affected with MYH6-related conditions. ClinVar contains an entry for this variant (Variation ID: 1357661). Invitae Evidence Modeling of protein sequence and biophysical properties (such as structural, functional, and spatial information, amino acid conservation, physicochemical variation, residue mobility, and thermodynamic stability) indicates that this missense variant is expected to disrupt MYH6 protein function with a positive predictive value of 80%. In summary, the available evidence is currently insufficient to determine the role of this variant in disease. Therefore, it has been classified as a Variant of Uncertain Significance.

Ambry Genetics
Classification: Uncertain significance for Cardiovascular phenotype. Last evaluated: 2023-05-01. Review status: criteria provided, single submitter. Criteria: Ambry Variant Classification Scheme 2023. Collection method: clinical testing. Allele origin: germline.
Comment: The p.D546V variant (also known as c.1637A>T), located in coding exon 13 of the MYH6 gene, results from an A to T substitution at nucleotide position 1637. The aspartic acid at codon 546 is replaced by valine, an amino acid with highly dissimilar properties. This amino acid position is conserved. In addition, this alteration is predicted to be deleterious by in silico analysis. Since supporting evidence is limited at this time, the clinical significance of this alteration remains unclear.

NM_002471.4(MYH6):c.1637A>T (p.Asp546Val)

Gene: MYH6 (myosin heavy chain 6; minus strand). Cytogenetic location: 14q11.2.
Variant type: single nucleotide variant.
Coding change: c.1637A>T on transcript NM_002471.4 (MANE Select); coding-DNA position 1637, A replaced by T.
Protein change: p.Asp546Val; replaces aspartic acid 546 with valine.
Molecular consequence: missense variant.
Genome position (GRCh38, 1-based): chr14:23,398,982, T>A on the plus strand (A>T on the coding strand, the complement: MYH6 is on the minus strand). VCF-style: chr14-23398982-T-A. GRCh37 (hg19) VCF-style: chr14-23868191-T-A.
Other names: c.1637A>T (NM_002471.3); short protein forms D546V.
Identifiers: ClinVar variation 1357661 (VCV001357661.9), dbSNP rs1290826704, ClinGen allele CA389020931.
Genomic context (GRCh38, chr14:23,398,982, plus strand): 5'-TTCTGGAAATTGTTGGACTTGCCCAGGTGGTTGTCGTACAGCTTGGCCTTGAAGGTCATG[T>A]CAGTGGCCTTGGGGAACATGCACTCCTCCTCCAGGATGGACATGATGCCCATGGGCTGAG-3'
Protein context (NP_002462.2, residues 536-556): EEECMFPKAT[Asp546Val]MTFKAKLYDN